The following is an entry in ClinVar:

ClinVar aggregate classification (germline): Likely benign (1 of 4 stars; one submission).

Allele frequency attached by ClinVar (database versions not stated): gnomAD 0.00009; gnomAD exomes 0.00014; ExAC 0.00048.

Submission:

CeGaT Center for Human Genetics Tuebingen
Classification: Likely benign. Last evaluated: 2022-09-01. Review status: criteria provided, single submitter. Criteria: CeGaT Center For Human Genetics Tuebingen Variant Classification Criteria Version 2. Collection method: clinical testing. Allele origin: germline. Affected: yes. Observed: 1 variant allele.
Comment: FAM186A: BP4, BP7

NM_001145475.3(FAM186A):c.3276C>T (p.Ala1092=)

Gene: FAM186A (family with sequence similarity 186 member A; minus strand). Cytogenetic location: 12q13.12.
Variant type: single nucleotide variant.
Coding change: c.3276C>T on transcript NM_001145475.3 (MANE Select); coding-DNA position 3276, C replaced by T.
Protein change: p.Ala1092=; no amino-acid change (alanine 1092 retained).
Molecular consequence: synonymous variant.
Genome position (GRCh38, 1-based): chr12:50,353,556, G>A on the plus strand (C>T on the coding strand, the complement: FAM186A is on the minus strand). VCF-style: chr12-50353556-G-A. GRCh37 (hg19) VCF-style: chr12-50747339-G-A.
Identifiers: ClinVar variation 2642992 (VCV002642992.24), dbSNP rs779855698, ClinGen allele CA6563280.